The following is an entry in ClinVar:

NM_001374675.1(HSF4):c.1475C>G (p.Pro492Arg)

Gene: HSF4 (heat shock transcription factor 4; plus strand). Cytogenetic location: 16q22.1.
Variant type: single nucleotide variant.
Coding change: c.1475C>G on transcript NM_001374675.1 (MANE Select); coding-DNA position 1475, C replaced by G.
Protein change: p.Pro492Arg; replaces proline 492 with arginine.
Molecular consequence: missense variant.
Genome position (GRCh38, 1-based): chr16:67,169,781, C>G. VCF-style: chr16-67169781-C-G. GRCh37 (hg19) VCF-style: chr16-67203684-C-G.
Other names: c.1475C>G, p.Pro492Arg (NM_001040667.3); c.1385C>G, p.Pro462Arg (NM_001374674.1, NM_001538.4); c.1385C>G (NM_001538.3); short protein forms P492R, P462R.
Identifiers: ClinVar variation 2048803 (VCV002048803.6), dbSNP rs182365484, ClinGen allele CA8102204.

ClinVar aggregate classification (germline): Uncertain significance. Review status: criteria provided, single submitter (1 of 4 stars). 2 submissions from 2 submitters: Uncertain significance (1). 1 of the submissions does not count toward it. Last evaluated 2022-11-08.

Conditions:
Cataract 5 multiple types (CTRCT5). Also called: Lamellar cataract; CATARACT 5, LAMELLAR; CATARACT, MARNER TYPE. Identifiers: Orphanet 91492, MedGen C0266537, MONDO:0007290, OMIM 116800, HP:0007971.
HSF4-related disorder. Also called: HSF4-related condition.

Allele frequency attached by ClinVar (database versions not stated): 1000 Genomes Project 0.00040; 1000 Genomes Project 30x 0.00062.
gnomAD v4.1: 85 of 1,613,126 alleles (0.0053%); highest among the groups gnomAD compares: East Asian, 0.036%; no homozygotes.

Submissions (2):

Labcorp Genetics (formerly Invitae), Labcorp
Classification: Uncertain significance for Cataract 5 multiple types. Last evaluated: 2022-11-08. Review status: criteria provided, single submitter. Criteria: Invitae Variant Classification Sherloc (09022015). Collection method: clinical testing. Allele origin: germline.
Comment: Algorithms developed to predict the effect of missense changes on protein structure and function are either unavailable or do not agree on the potential impact of this missense change (SIFT: "Tolerated"; PolyPhen-2: "Probably Damaging"; Align-GVGD: "Class C0"). This variant has not been reported in the literature in individuals affected with HSF4-related conditions. This variant is present in population databases (rs182365484, gnomAD 0.03%). This sequence change replaces proline, which is neutral and non-polar, with arginine, which is basic and polar, at codon 462 of the HSF4 protein (p.Pro462Arg). In summary, the available evidence is currently insufficient to determine the role of this variant in disease. Therefore, it has been classified as a Variant of Uncertain Significance.

PreventionGenetics, part of Exact Sciences
Classification: Uncertain significance for HSF4-related condition. Last evaluated: 2024-01-05. Review status: no assertion criteria provided. Collection method: clinical testing. Allele origin: germline. Not counted in ClinVar's aggregate classification.
Comment: The HSF4 c.1385C>G variant is predicted to result in the amino acid substitution p.Pro462Arg. To our knowledge, this variant has not been reported in the literature. This variant is reported in 0.031% of alleles in individuals of East Asian descent in gnomAD. At this time, the clinical significance of this variant is uncertain due to the absence of conclusive functional and genetic evidence.